The following is an entry in ClinVar:

ClinVar aggregate classification (germline): Uncertain significance (1 of 4 stars; one submission).

Conditions:
Generalized epilepsy with febrile seizures plus, type 7 (GEFSP7). Also called: GEFS+, TYPE 7. Identifiers: Orphanet 36387, MedGen C2751778, MONDO:0013470, OMIM 613863.
Neuropathy, hereditary sensory and autonomic, type 2A (HSAN2A). Also called: MORVAN DISEASE; NEUROPATHY, CONGENITAL SENSORY; NEUROPATHY, HEREDITARY SENSORY RADICULAR, AUTOSOMAL RECESSIVE; NEUROPATHY, HEREDITARY SENSORY, TYPE IIA; NEUROPATHY, PROGRESSIVE SENSORY, OF CHILDREN; HSAN IIA. Identifiers: Orphanet 970, MedGen C2752089, MONDO:0024309, OMIM 201300.

gnomAD v4.1: 3 of 1,613,598 alleles (0.00019%); highest among the groups gnomAD compares: South Asian, 0.0033%; no homozygotes.

Submission:

Labcorp Genetics (formerly Invitae), Labcorp
Classification: Uncertain significance for Neuropathy, hereditary sensory and autonomic, type 2A; Generalized epilepsy with febrile seizures plus, type 7. Last evaluated: 2024-12-22. Review status: criteria provided, single submitter. Criteria: Invitae Variant Classification Sherloc (09022015). Collection method: clinical testing. Allele origin: germline.
Comment: This sequence change replaces leucine, which is neutral and non-polar, with tryptophan, which is neutral and slightly polar, at codon 219 of the SCN9A protein (p.Leu219Trp). This variant is present in population databases (rs771950039, gnomAD 0.003%). This variant has not been reported in the literature in individuals affected with SCN9A-related conditions. Invitae Evidence Modeling of protein sequence and biophysical properties (such as structural, functional, and spatial information, amino acid conservation, physicochemical variation, residue mobility, and thermodynamic stability) has been performed for this missense variant. However, the output from this modeling did not meet the statistical confidence thresholds required to predict the impact of this variant on SCN9A protein function. In summary, the available evidence is currently insufficient to determine the role of this variant in disease. Therefore, it has been classified as a Variant of Uncertain Significance.

NM_001365536.1(SCN9A):c.656T>G (p.Leu219Trp)

Gene: SCN9A (sodium voltage-gated channel alpha subunit 9; minus strand). Cytogenetic location: 2q24.3.
Variant type: single nucleotide variant.
Coding change: c.656T>G on transcript NM_001365536.1 (MANE Select); coding-DNA position 656, T replaced by G.
Protein change: p.Leu219Trp; replaces leucine 219 with tryptophan.
Molecular consequence: missense variant.
Genome position (GRCh38, 1-based): chr2:166,304,270, A>C on the plus strand (T>G on the coding strand, the complement: SCN9A is on the minus strand). VCF-style: chr2-166304270-A-C. GRCh37 (hg19) VCF-style: chr2-167160780-A-C.
Other names: c.656T>G, p.Leu219Trp (NM_002977.4); short protein forms L219W.
Identifiers: ClinVar variation 3748880 (VCV003748880.2).
Genomic context (GRCh38, chr2:166,304,270, plus strand): 5'-CTAATGCTTCACACCAATTACTTCTTACCTGGGATTACAGAAATAGTTTTCAAAGCTCTC[A>C]ATACTCTGAAAGTTCGAAGAGCTGAAACATTGCCTAGGTTTACAAATTCTGTTAAATACC-3'
Protein context (NP_001352465.1, residues 209-229): NVSALRTFRV[Leu219Trp]RALKTISVIP